The following is an entry in ClinVar:

NM_000071.3(CBS):c.140A>C (p.Asp47Ala)

Gene: CBS (cystathionine beta-synthase; minus strand). Cytogenetic location: 21q22.3.
Variant type: single nucleotide variant.
Coding change: c.140A>C on transcript NM_000071.3 (MANE Select); coding-DNA position 140, A replaced by C.
Protein change: p.Asp47Ala; replaces aspartic acid 47 with alanine.
Molecular consequence: missense variant.
Genome position (GRCh38, 1-based): chr21:43,072,054, T>G on the plus strand (A>C on the coding strand, the complement: CBS is on the minus strand). VCF-style: chr21-43072054-T-G. GRCh37 (hg19) VCF-style: chr21-44492164-T-G.
Other names: c.140A>C, p.Asp47Ala (NM_001178008.3, NM_001178009.3, NM_001320298.2); short protein forms D47A.
Identifiers: ClinVar variation 1487102 (VCV001487102.6), dbSNP rs2146427913, ClinGen allele CA410602362.

ClinVar aggregate classification (germline): Likely pathogenic (1 of 4 stars; one submission).

Conditions:
HYPERHOMOCYSTEINEMIA, THROMBOTIC, CBS-RELATED. Identifiers: MedGen C3150344, OMIM 236200.

Submission:

Labcorp Genetics (formerly Invitae), Labcorp
Classification: Likely pathogenic for HYPERHOMOCYSTEINEMIA, THROMBOTIC, CBS-RELATED. Last evaluated: 2023-09-21. Review status: criteria provided, single submitter. Criteria: Invitae Variant Classification Sherloc (09022015). Collection method: clinical testing. Allele origin: germline.
Comment: This sequence change replaces aspartic acid, which is acidic and polar, with alanine, which is neutral and non-polar, at codon 47 of the CBS protein (p.Asp47Ala). This variant is not present in population databases (gnomAD no frequency). This variant has not been reported in the literature in individuals affected with CBS-related conditions. ClinVar contains an entry for this variant (Variation ID: 1487102). Advanced modeling of protein sequence and biophysical properties (such as structural, functional, and spatial information, amino acid conservation, physicochemical variation, residue mobility, and thermodynamic stability) performed at Invitae indicates that this missense variant is expected to disrupt CBS protein function. This variant disrupts the p.Asp47 amino acid residue in CBS. Other variant(s) that disrupt this residue have been determined to be pathogenic (PMID: 18194900, 22353391). This suggests that this residue is clinically significant, and that variants that disrupt this residue are likely to be disease-causing. In summary, the currently available evidence indicates that the variant is pathogenic, but additional data are needed to prove that conclusively. Therefore, this variant has been classified as Likely Pathogenic.

Literature cited by the submitters: PubMed 18194900; PubMed 22353391.